The following is an entry in ClinVar:

ClinVar aggregate classification (germline): Likely benign. Review status: criteria provided, multiple submitters, no conflicts (2 of 4 stars). 8 submissions from 8 submitters: Likely benign (5). 3 of the submissions do not count toward it. Last evaluated 2026-04-01.

Conditions:
Autosomal recessive juvenile Parkinson disease 2. Also called: PRKN-Related Early-Onset Parkinson Disease; PARKINSON DISEASE, JUVENILE, AUTOSOMAL RECESSIVE; Parkinson disease autosomal recessive, early onset; Juvenile parkinsonism; Parkinsonism, early onset, with diurnal fluctuation; Parkinson disease, juvenile, type 2. Identifiers: Orphanet 2828, MedGen C1868675, MONDO:0010820, OMIM 600116.
Inborn genetic diseases. Identifiers: MedGen C0950123, MeSH D030342.

Allele frequency attached by ClinVar (database versions not stated): TOPMed 0.00039; gnomAD exomes 0.00041 and 0.00054; ExAC 0.00054; ESP Exome Variant Server 0.00069; gnomAD 0.00074 and 0.00076.

Submissions (8):

CeGaT Center for Human Genetics Tuebingen
Classification: Likely benign. Last evaluated: 2026-04-01. Review status: criteria provided, single submitter. Criteria: CeGaT Center For Human Genetics Tuebingen Variant Classification Criteria Version 2. Collection method: clinical testing. Allele origin: germline. Affected: yes. Observed: 11 variant alleles.
Comment: PRKN: BP4

Labcorp Genetics (formerly Invitae), Labcorp
Classification: Likely benign. Last evaluated: 2026-01-15. Review status: criteria provided, single submitter. Criteria: Invitae Variant Classification Sherloc (09022015). Collection method: clinical testing. Allele origin: germline.

Mayo Clinic Laboratories, Mayo Clinic
Classification: Likely benign. Last evaluated: 2025-08-13. Review status: criteria provided, single submitter. Criteria: ACMG Guidelines, 2015. Collection method: clinical testing. Allele origin: germline. Observed: 1 variant allele.
Comment: BP4, BP7

Ambry Genetics
Classification: Likely benign for Inborn genetic diseases. Last evaluated: 2023-06-07. Review status: criteria provided, single submitter. Criteria: Ambry Variant Classification Scheme 2023. Collection method: clinical testing. Allele origin: germline.

Illumina Laboratory Services, Illumina
Classification: Likely benign for Autosomal recessive juvenile Parkinson disease 2. Last evaluated: 2017-04-27. Review status: criteria provided, single submitter. Criteria: ICSL Variant Classification Criteria 13 December 2019. Collection method: clinical testing. Allele origin: germline.
Comment: This variant was observed as part of a predisposition screen in an ostensibly healthy population. A literature search was performed for the gene, cDNA change, and amino acid change (where applicable). Publications were found based on this search. The evidence from the literature, in combination with allele frequency data from public databases where available, was sufficient to determine this variant is unlikely to cause disease. Therefore, this variant is classified as likely benign.

Clinical Genetics DNA and cytogenetics Diagnostics Lab, Erasmus MC, Erasmus Medical Center
Classification: Likely benign. Review status: no assertion criteria provided. Collection method: clinical testing. Allele origin: germline. Affected: yes. Study: VKGL Data-share Consensus. Not counted in ClinVar's aggregate classification.

Diagnostic Laboratory, Department of Genetics, University Medical Center Groningen
Classification: Likely benign. Review status: no assertion criteria provided. Collection method: clinical testing. Allele origin: germline. Affected: yes. Study: VKGL Data-share Consensus. Not counted in ClinVar's aggregate classification.

Genome Diagnostics Laboratory, Amsterdam University Medical Center
Classification: Likely benign. Review status: no assertion criteria provided. Collection method: clinical testing. Allele origin: germline. Affected: yes. Study: VKGL Data-share Consensus. Not counted in ClinVar's aggregate classification.

Literature cited by the submitters: PubMed 16769863 (cited by Mayo Clinic Laboratories, Mayo Clinic and Illumina Laboratory Services, Illumina); PubMed 17187375 (cited by Mayo Clinic Laboratories, Mayo Clinic and Illumina Laboratory Services, Illumina); PubMed 19162522 (cited by Mayo Clinic Laboratories, Mayo Clinic).

NM_004562.3(PRKN):c.919C>T (p.Leu307=)

Gene: PRKN (parkin RBR E3 ubiquitin protein ligase; minus strand). Cytogenetic location: 6q26.
Variant type: single nucleotide variant.
Coding change: c.919C>T on transcript NM_004562.3 (MANE Select); coding-DNA position 919, C replaced by T.
Protein change: p.Leu307=; no amino-acid change (leucine 307 retained).
Molecular consequence: synonymous variant.
Genome position (GRCh38, 1-based): chr6:161,569,369, G>A on the plus strand (C>T on the coding strand, the complement: PRKN is on the minus strand). VCF-style: chr6-161569369-G-A. GRCh37 (hg19) VCF-style: chr6-161990401-G-A.
Other names: p.Leu307=; c.835C>T, p.Leu279= (NM_013987.3); c.472C>T, p.Leu158= (NM_013988.3).
Identifiers: ClinVar variation 444707 (VCV000444707.63), dbSNP rs138920699, ClinGen allele CA4090113.
Genomic context (GRCh38, chr6:161,569,369, plus strand): 5'-CTATCTTTCATGACAGTCTGATGCAGCCTTTGAGATGCTCACTCACCTGCTCTTCTCCCA[G>A]AATCCTGAAGTGATGGAGCTCTTTAATCAAGGAGTTGGGACAGCCAGCTGTTGGAAAGAA-3'
Protein context (NP_004553.2, residues 297-317): LIKELHHFRI[Leu307=]GEEQYNRYQQ